The following is an entry in ClinVar:

ClinVar aggregate classification (germline): Uncertain significance (1 of 4 stars; one submission).

Allele frequency attached by ClinVar (database versions not stated): gnomAD exomes below 0.00001.
gnomAD v4.1: 1 of 1,613,796 alleles (0.000062%); highest among the groups gnomAD compares: South Asian, 0.0011%; no homozygotes.

Submission:

Labcorp Genetics (formerly Invitae), Labcorp
Classification: Uncertain significance. Last evaluated: 2022-05-05. Review status: criteria provided, single submitter. Criteria: Invitae Variant Classification Sherloc (09022015). Collection method: clinical testing. Allele origin: germline.
Comment: This sequence change replaces isoleucine, which is neutral and non-polar, with valine, which is neutral and non-polar, at codon 1499 of the USH2A protein (p.Ile1499Val). This variant is present in population databases (no rsID available, gnomAD 0.003%). This variant has not been reported in the literature in individuals affected with USH2A-related conditions. Algorithms developed to predict the effect of missense changes on protein structure and function output the following: SIFT: "Tolerated"; PolyPhen-2: "Benign"; Align-GVGD: "Class C0". The valine amino acid residue is found in multiple mammalian species, which suggests that this missense change does not adversely affect protein function. In summary, the available evidence is currently insufficient to determine the role of this variant in disease. Therefore, it has been classified as a Variant of Uncertain Significance.

NM_206933.4(USH2A):c.4495A>G (p.Ile1499Val)

Gene: USH2A (usherin; minus strand). Cytogenetic location: 1q41.
Variant type: single nucleotide variant.
Coding change: c.4495A>G on transcript NM_206933.4 (MANE Select); coding-DNA position 4495, A replaced by G.
Protein change: p.Ile1499Val; replaces isoleucine 1499 with valine.
Molecular consequence: missense variant.
Genome position (GRCh38, 1-based): chr1:216,175,384, T>C on the plus strand (A>G on the coding strand, the complement: USH2A is on the minus strand). VCF-style: chr1-216175384-T-C. GRCh37 (hg19) VCF-style: chr1-216348726-T-C.
Other names: c.4495A>G, p.Ile1499Val (NM_007123.6); short protein forms I1499V.
Identifiers: ClinVar variation 1937991 (VCV001937991.2), dbSNP rs1422226735, ClinGen allele CA344863775.
Genomic context (GRCh38, chr1:216,175,384, plus strand): 5'-CTTTCATCATCGTGGTCATCAGAGCTGGTAGAGATGACTCTCTCCTTTCCAGCTGATATA[T>C]AGGAGAGGGTCCATTCAGTTCTTCAGGTGGAAACCACCTAAGATGGATTGTTGTGCTGTT-3'
Protein context (NP_996816.3, residues 1489-1509): PPEELNGPSP[Ile1499Val]YQLERRESSL